The following is an entry in ClinVar:

NM_001164508.2(NEB):c.1674+2T>C

Gene: NEB (nebulin; minus strand). Cytogenetic location: 2q23.3.
Variant type: single nucleotide variant.
Coding change: c.1674+2T>C on transcript NM_001164508.2 (MANE Select); the canonical splice donor site of the intron after coding-DNA position 1674, T replaced by C.
Molecular consequence: splice donor variant.
Genome position (GRCh38, 1-based): chr2:151,695,576, A>G on the plus strand (T>C on the coding strand, the complement: NEB is on the minus strand). VCF-style: chr2-151695576-A-G. GRCh37 (hg19) VCF-style: chr2-152552090-A-G.
Other names: c.1674+2T>C (NM_004543.5, NM_001164507.2, NM_001271208.2).
Identifiers: ClinVar variation 550050 (VCV000550050.12), dbSNP rs1553603437, ClinGen allele CA348824801.

ClinVar aggregate classification (germline): Pathogenic/Likely pathogenic. Review status: criteria provided, multiple submitters, no conflicts (2 of 4 stars). 6 submissions from 6 submitters: Pathogenic (2); Likely pathogenic (3). 1 of the submissions does not count toward it. Last evaluated 2026-09-01.

Conditions:
Arthrogryposis multiplex congenita 6. Identifiers: MedGen C5543431, MONDO:0030281, OMIM 619334.
Nemaline myopathy 2 (NEM2). Also called: Nemaline myopathy 2, autosomal recessive. Identifiers: MedGen C1850569, MONDO:0009725, OMIM 256030.

Allele frequency attached by ClinVar (database versions not stated): gnomAD exomes below 0.00001.
gnomAD v4.1: 3 of 1,609,814 alleles (0.00019%); highest among the groups gnomAD compares: Non-Finnish European, 0.00026%; no homozygotes.

Submissions (6):

CeGaT Center for Human Genetics Tuebingen
Classification: Likely pathogenic. Last evaluated: 2026-09-01. Review status: criteria provided, single submitter. Criteria: CeGaT Center For Human Genetics Tuebingen Variant Classification Criteria Version 2. Collection method: clinical testing. Allele origin: germline. Affected: yes. Observed: 1 variant allele.
Comment: NEB: PM2, PM3, PVS1:Moderate

Natera, Inc.
Classification: Likely pathogenic for Nemaline myopathy type 2. Last evaluated: 2025-09-13. Review status: criteria provided, single submitter. Criteria: Natera Variant Classification Schema (03/2026). Collection method: clinical testing. Allele origin: germline.
Comment: The c.1674+2T>C variant in NEB is a canonical splice donor site variant predicted to affect pre-mRNA splicing, which may result in an abnormal transcript and altered protein product. This variant may result in a truncated or dysfunctional protein product. This variant is rare in the general population with a frequency below the threshold expected for the associated phenotype(s). This variant has been observed in one or more individuals affected with the associated recessive disease, as either homozygous or compound heterozygous with a second variant (PMID: 36714460). Given the available evidence, this variant is classified as Likely Pathogenic.

Baylor Genetics
Classification: Likely pathogenic for Arthrogryposis multiplex congenita 6. Last evaluated: 2023-03-27. Review status: criteria provided, single submitter. Criteria: ACMG Guidelines, 2015. Collection method: clinical testing. Allele origin: unknown.

Labcorp Genetics (formerly Invitae), Labcorp
Classification: Pathogenic for Nemaline myopathy 2. Last evaluated: 2022-03-26. Review status: criteria provided, single submitter. Criteria: Invitae Variant Classification Sherloc (09022015). Collection method: clinical testing. Allele origin: germline.
Comment: Algorithms developed to predict the effect of sequence changes on RNA splicing suggest that this variant may disrupt the consensus splice site. For these reasons, this variant has been classified as Pathogenic. ClinVar contains an entry for this variant (Variation ID: 550050). Disruption of this splice site has been observed in individuals with nemaline myopathy (PMID: 25205138). This variant is not present in population databases (gnomAD no frequency). This sequence change affects a donor splice site in intron 18 of the NEB gene. It is expected to disrupt RNA splicing. Variants that disrupt the donor or acceptor splice site typically lead to a loss of protein function (PMID: 16199547), and loss-of-function variants in NEB are known to be pathogenic (PMID: 25205138).

Mendelics
Classification: Pathogenic for Nemaline myopathy 2. Last evaluated: 2019-05-28. Review status: criteria provided, single submitter. Criteria: Mendelics Assertion Criteria 2017. Collection method: clinical testing. Allele origin: unknown.

Counsyl
Classification: Likely pathogenic for Nemaline myopathy 2. Last evaluated: 2018-02-16. Review status: no assertion criteria provided. Collection method: clinical testing. Allele origin: unknown. Not counted in ClinVar's aggregate classification.

Literature cited by the submitters: PubMed 36714460 (cited by Natera, Inc.); PubMed 25205138 (cited by Labcorp Genetics (formerly Invitae), Labcorp and Counsyl); PubMed 16199547 (cited by Labcorp Genetics (formerly Invitae), Labcorp).